The following is an entry in ClinVar:

ClinVar aggregate classification (germline): Uncertain significance (1 of 4 stars; one submission).

Conditions:
Hereditary cancer-predisposing syndrome. Also called: Hereditary neoplastic syndrome; Neoplastic Syndromes, Hereditary; Tumor predisposition; Hereditary Cancer Syndrome. Identifiers: Orphanet 140162, MedGen C0027672, MeSH D009386, MONDO:0015356.

Submission:

Ambry Genetics
Classification: Uncertain significance for Hereditary cancer-predisposing syndrome. Last evaluated: 2025-02-22. Review status: criteria provided, single submitter. Criteria: Ambry Variant Classification Scheme 2023. Collection method: clinical testing. Allele origin: germline.
Comment: The p.D687G variant (also known as c.2060A>G), located in coding exon 13 of the CDH1 gene, results from an A to G substitution at nucleotide position 2060. The aspartic acid at codon 687 is replaced by glycine, an amino acid with similar properties. This amino acid position is conserved. In addition, the in silico prediction for this alteration is inconclusive. Based on the available evidence, the clinical significance of this variant remains unclear.

NM_004360.5(CDH1):c.2060A>G (p.Asp687Gly)

Gene: CDH1 (cadherin 1; plus strand). Cytogenetic location: 16q22.1.
Variant type: single nucleotide variant.
Coding change: c.2060A>G on transcript NM_004360.5 (MANE Select); coding-DNA position 2060, A replaced by G.
Protein change: p.Asp687Gly; replaces aspartic acid 687 with glycine.
Molecular consequence: missense variant.
Genome position (GRCh38, 1-based): chr16:68,823,522, A>G. VCF-style: chr16-68823522-A-G. GRCh37 (hg19) VCF-style: chr16-68857425-A-G.
Other names: c.1877A>G, p.Asp626Gly (NM_001317184.2); c.512A>G, p.Asp171Gly (NM_001317185.2); c.95A>G, p.Asp32Gly (NM_001317186.2); short protein forms D626G, D171G, D687G, D32G.
Identifiers: ClinVar variation 3829970 (VCV003829970.1).